The following is an entry in ClinVar:

ClinVar aggregate classification (germline): Benign/Likely benign. Review status: criteria provided, multiple submitters, no conflicts (2 of 4 stars). 4 submissions from 4 submitters: Benign (2); Likely benign (2). Last evaluated 2026-03-01.

Allele frequency attached by ClinVar (database versions not stated): gnomAD exomes 0.00009 and 0.00024; ExAC 0.00032; 1000 Genomes Project 0.00080; 1000 Genomes Project 30x 0.00109; gnomAD 0.00119 and 0.00130; TOPMed 0.00121; ESP Exome Variant Server 0.00123.
gnomAD v4.1: 323 of 1,614,182 alleles (0.02%); highest among the groups gnomAD compares: African/African-American, 0.37%; 1 homozygote.

Submissions (4):

CeGaT Center for Human Genetics Tuebingen
Classification: Likely benign. Last evaluated: 2026-03-01. Review status: criteria provided, single submitter. Criteria: CeGaT Center For Human Genetics Tuebingen Variant Classification Criteria Version 2. Collection method: clinical testing. Allele origin: germline. Affected: yes. Observed: 2 variant alleles.
Comment: GFAP: BP4, BP7

Labcorp Genetics (formerly Invitae), Labcorp
Classification: Benign. Last evaluated: 2025-10-13. Review status: criteria provided, single submitter. Criteria: Invitae Variant Classification Sherloc (09022015). Collection method: clinical testing. Allele origin: germline.

Blueprint Genetics
Classification: Likely benign. Last evaluated: 2023-09-14. Review status: criteria provided, single submitter. Criteria: ACMG Guidelines, 2015. Collection method: clinical testing. Allele origin: germline.

Athena Diagnostics
Classification: Benign. Last evaluated: 2018-04-11. Review status: criteria provided, single submitter. Criteria: Athena Diagnostics Criteria. Collection method: clinical testing. Allele origin: germline.

NM_002055.5(GFAP):c.675C>T (p.Asp225=)

Gene: GFAP (glial fibrillary acidic protein; minus strand). Cytogenetic location: 17q21.31.
Variant type: single nucleotide variant.
Coding change: c.675C>T on transcript NM_002055.5 (MANE Select); coding-DNA position 675, C replaced by T.
Protein change: p.Asp225=; no amino-acid change (aspartic acid 225 retained).
Molecular consequence: synonymous variant.
Genome position (GRCh38, 1-based): chr17:44,913,374, G>A on the plus strand (C>T on the coding strand, the complement: GFAP is on the minus strand). VCF-style: chr17-44913374-G-A. GRCh37 (hg19) VCF-style: chr17-42990742-G-A.
Other names: c.675C>T, p.Asp225= (NM_001131019.3, NM_001242376.3, NM_001363846.2).
Identifiers: ClinVar variation 323616 (VCV000323616.35), dbSNP rs146443487, ClinGen allele CA8608884.